The following is an entry in ClinVar:

NM_002474.3(MYH11):c.3269A>G (p.Glu1090Gly)

Gene: MYH11 (myosin heavy chain 11; minus strand). Cytogenetic location: 16p13.11.
Variant type: single nucleotide variant.
Coding change: c.3269A>G on transcript NM_002474.3 (MANE Select); coding-DNA position 3269, A replaced by G.
Protein change: p.Glu1090Gly; replaces glutamic acid 1090 with glycine.
Molecular consequence: missense variant.
Genome position (GRCh38, 1-based): chr16:15,737,473, T>C on the plus strand (A>G on the coding strand, the complement: MYH11 is on the minus strand). VCF-style: chr16-15737473-T-C. GRCh37 (hg19) VCF-style: chr16-15831330-T-C.
Other names: c.3290A>G, p.Glu1097Gly (NM_001040113.2, NM_001040114.2); c.3269A>G, p.Glu1090Gly (NM_022844.3); short protein forms E1090G, E1097G.
Identifiers: ClinVar variation 4807097 (VCV004807097.1).

ClinVar aggregate classification (germline): Uncertain significance (1 of 4 stars; one submission).

Conditions:
Aortic aneurysm, familial thoracic 4 (AAT4). Also called: AORTIC ANEURYSM/AORTIC DISSECTION AND PATENT DUCTUS ARTERIOSUS. Identifiers: MedGen C1851504, MONDO:0007568, OMIM 132900.

Submission:

Labcorp Genetics (formerly Invitae), Labcorp
Classification: Uncertain significance for Aortic aneurysm, familial thoracic 4. Last evaluated: 2025-07-20. Review status: criteria provided, single submitter. Criteria: Invitae Variant Classification Sherloc (09022015). Collection method: clinical testing. Allele origin: germline.
Comment: This sequence change replaces glutamic acid, which is acidic and polar, with glycine, which is neutral and non-polar, at codon 1097 of the MYH11 protein (p.Glu1097Gly). This variant is not present in population databases (gnomAD no frequency). This variant has not been reported in the literature in individuals affected with MYH11-related conditions. Invitae Evidence Modeling of protein sequence and biophysical properties (such as structural, functional, and spatial information, amino acid conservation, physicochemical variation, residue mobility, and thermodynamic stability) indicates that this missense variant is not expected to disrupt MYH11 protein function with a negative predictive value of 95%. In summary, the available evidence is currently insufficient to determine the role of this variant in disease. Therefore, it has been classified as a Variant of Uncertain Significance.